The following is an entry in ClinVar:

ClinVar aggregate classification (germline): Uncertain significance. Review status: criteria provided, multiple submitters, no conflicts (2 of 4 stars). 2 submissions from 2 submitters: Uncertain significance (2). Last evaluated 2025-08-23.

Conditions:
Inborn genetic diseases. Identifiers: MedGen C0950123, MeSH D030342.
Charcot-Marie-Tooth disease type 2. Also called: Charcot-Marie-Tooth type 2. Identifiers: Orphanet 64746, MedGen C0270914, MONDO:0018993.

Allele frequency attached by ClinVar (database versions not stated): ExAC 0.00001; gnomAD 0.00001; gnomAD exomes below 0.00001.
gnomAD v4.1: 3 of 1,614,020 alleles (0.00019%); highest among the groups gnomAD compares: Non-Finnish European, 0.00025%; no homozygotes.

Submissions (2):

Ambry Genetics
Classification: Uncertain significance for Inborn genetic diseases. Last evaluated: 2025-08-23. Review status: criteria provided, single submitter. Criteria: Ambry Variant Classification Scheme 2023. Collection method: clinical testing. Allele origin: germline.

Labcorp Genetics (formerly Invitae), Labcorp
Classification: Uncertain significance for Charcot-Marie-Tooth disease type 2. Last evaluated: 2024-09-03. Review status: criteria provided, single submitter. Criteria: Invitae Variant Classification Sherloc (09022015). Collection method: clinical testing. Allele origin: germline.
Comment: This sequence change replaces aspartic acid, which is acidic and polar, with histidine, which is basic and polar, at codon 632 of the AARS protein (p.Asp632His). This variant is present in population databases (rs765977339, gnomAD 0.0008%). This variant has not been reported in the literature in individuals affected with AARS-related conditions. ClinVar contains an entry for this variant (Variation ID: 572232). Invitae Evidence Modeling of protein sequence and biophysical properties (such as structural, functional, and spatial information, amino acid conservation, physicochemical variation, residue mobility, and thermodynamic stability) has been performed for this missense variant. However, the output from this modeling did not meet the statistical confidence thresholds required to predict the impact of this variant on AARS protein function. In summary, the available evidence is currently insufficient to determine the role of this variant in disease. Therefore, it has been classified as a Variant of Uncertain Significance.

NM_001605.3(AARS1):c.1894G>C (p.Asp632His)

Gene: AARS1 (alanyl-tRNA synthetase 1; minus strand). Cytogenetic location: 16q22.1.
Variant type: single nucleotide variant.
Coding change: c.1894G>C on transcript NM_001605.3 (MANE Select); coding-DNA position 1894, G replaced by C.
Protein change: p.Asp632His; replaces aspartic acid 632 with histidine.
Molecular consequence: missense variant.
Genome position (GRCh38, 1-based): chr16:70,259,078, C>G on the plus strand (G>C on the coding strand, the complement: AARS1 is on the minus strand). VCF-style: chr16-70259078-C-G. GRCh37 (hg19) VCF-style: chr16-70292981-C-G.
Other names: short protein forms D632H.
Identifiers: ClinVar variation 572232 (VCV000572232.9), dbSNP rs765977339, ClinGen allele CA8140639.